The following is an entry in ClinVar:

NM_153816.6(SNX14):c.1946del (p.Asn649fs)

Gene: SNX14 (sorting nexin 14; minus strand). Cytogenetic location: 6q14.3.
Variant type: Deletion.
Coding change: c.1946del on transcript NM_153816.6 (MANE Select); coding-DNA position 1946, one base deleted (A; older notation c.1946delA).
Protein change: p.Asn649fs; shifts the reading frame from asparagine 649.
Molecular consequence: frameshift variant. On other transcripts: non-coding transcript variant (6).
Genome position (GRCh38, 1-based): chr6:85,528,311, T deleted on the plus strand (A on the coding strand, the reverse complement: SNX14 is on the minus strand); the first of 5 consecutive T bases (chr6:85,528,311-85,528,315); deleting any one gives the same sequence. VCF-style (leftmost placement, unchanged base first): chr6-85528310-AT-A. GRCh37 (hg19) VCF-style: chr6-86238028-AT-A.
Other names: c.1919del, p.Asn640fs (NM_001297614.3, NM_001350541.2); c.1790del, p.Asn597fs (NM_001304479.2); c.2009del, p.Asn670fs (NM_001350532.2); c.1943del, p.Asn648fs (NM_001350533.2, NM_001350535.2); c.1916del, p.Asn639fs (NM_001350534.2); c.1814del, p.Asn605fs (NM_001350536.2); c.1811del, p.Asn604fs (NM_001350537.2); c.1802del, p.Asn601fs (NM_001350538.2); and 9 more; short protein forms N255fs, N264fs, N299fs, N501fs, N549fs, N552fs, N553fs, N596fs.
Identifiers: ClinVar variation 4884750 (VCV004884750.1).
Genomic context (GRCh38, chr6:85,528,310, plus strand): 5'-TTGATGTTATACCTGTAGATATTCTTGGAACTCTTCCCTCTTTGACTTTAAGAATTCATA[AT>A]TTTTGGGGCCAATGATCCTCTTAGAAGGAAGCTGGGCATCAGGAAATGCACCTGAAATTA-3'

ClinVar aggregate classification (germline): Pathogenic (1 of 4 stars; one submission).

Conditions:
Fetal anomalies with a likely genetic cause.

Submission:

Genetics Laboratory, Great Ormond Street Hospital NHS Foundation Trust, North Thames Genomic Laboratory Hub
Classification: Pathogenic for Fetal anomalies with a likely genetic cause. Last evaluated: 2026-06-19. Review status: criteria provided, single submitter. Criteria: ACGS Best Practice Guidelines for Variant Classification in Rare Disease 2024 v1.2. Collection method: clinical testing. Allele origin: germline. Affected: yes.
Comment: PM2_moderate, PVS1_very-strong